The following is an entry in ClinVar:

NC_000009.11:g.(5090912_5123003)_(5129949_?)dup

Gene: JAK2 (Janus kinase 2; plus strand). Cytogenetic location: 9p24.1.
Variant type: Duplication.
Identifiers: ClinVar variation 2682406 (VCV002682406.3).

ClinVar aggregate classification (germline): Uncertain significance (1 of 4 stars; one submission).

Submission:

Women's Health and Genetics/Laboratory Corporation of America, LabCorp
Classification: Uncertain significance. Last evaluated: 2025-05-13. Review status: criteria provided, single submitter. Criteria: LabCorp Variant Classification Summary - May 2015. Collection method: clinical testing. Allele origin: germline.
Comment: Variant summary: The variant involves the duplication of exons 23-25 in the JAK2 gene. A presumed nomenclature of c.(3059+1_3060-1)_(*3158_?)dup has been designated for the purposes of this classification. The exact breakpoint at the 3' end of this variant is unknown, therefore this duplication may extend downstream of the annotated region of the gene. As it duplicates the termination codon, its effect on the encoded protein is unknown. A variant involving the duplication of exons 23-25 together with a large (~104kb) DNA fragment extending downstream of the gene was found at a frequency of 9.2e-05 in 21694 control chromosomes (i.e. 2 heterozygous carriers) in the gnomAD database, structrual variants dataset v2.1. The available data on variant occurrences in the general population are insufficient to allow any conclusion about variant significance. To our knowledge, no occurrence of c.(3059+1_3060-1)_(*3158_?)dup in individuals affected with JAK2-Related Disorders and no experimental evidence demonstrating its impact on protein function have been reported. ClinVar contains an entry for this variant (Variation ID: 3245332). Based on the evidence outlined above, the variant was classified as uncertain significance.